The following is an entry in ClinVar:

ClinVar aggregate classification (germline): Uncertain significance (1 of 4 stars; one submission).

Conditions:
Chondrodysplasia punctata, brachytelephalangic, autosomal. Also called: BRACHYTELEPHALANGIC CHONDRODYSPLASIA PUNCTATA. Identifiers: MedGen C1844853, MONDO:0011238, OMIM 602497.

Submission:

Labcorp Genetics (formerly Invitae), Labcorp
Classification: Uncertain significance for Chondrodysplasia punctata, brachytelephalangic, autosomal. Last evaluated: 2023-10-13. Review status: criteria provided, single submitter. Criteria: Invitae Variant Classification Sherloc (09022015). Collection method: clinical testing. Allele origin: germline.
Comment: This sequence change replaces lysine, which is basic and polar, with asparagine, which is neutral and polar, at codon 134 of the ARSE protein (p.Lys134Asn). This variant is not present in population databases (gnomAD no frequency). This variant has not been reported in the literature in individuals affected with ARSE-related conditions. ClinVar contains an entry for this variant (Variation ID: 1683200). Advanced modeling of protein sequence and biophysical properties (such as structural, functional, and spatial information, amino acid conservation, physicochemical variation, residue mobility, and thermodynamic stability) has been performed at Invitae for this missense variant, however the output from this modeling did not meet the statistical confidence thresholds required to predict the impact of this variant on ARSE protein function. In summary, the available evidence is currently insufficient to determine the role of this variant in disease. Therefore, it has been classified as a Variant of Uncertain Significance.

NM_000047.3(ARSL):c.402A>C (p.Lys134Asn)

Gene: ARSL (arylsulfatase L; minus strand). Cytogenetic location: Xp22.33.
Variant type: single nucleotide variant.
Coding change: c.402A>C on transcript NM_000047.3 (MANE Select); coding-DNA position 402, A replaced by C.
Protein change: p.Lys134Asn; replaces lysine 134 with asparagine.
Molecular consequence: missense variant.
Genome position (GRCh38, 1-based): chrX:2,953,171, T>G on the plus strand (A>C on the coding strand, the complement: ARSL is on the minus strand). VCF-style: chrX-2953171-T-G. GRCh37 (hg19) VCF-style: chrX-2871212-T-G.
Other names: c.477A>C, p.Lys159Asn (NM_001282628.2, NM_001369080.1); c.240A>C, p.Lys80Asn (NM_001282631.2); c.429A>C, p.Lys143Asn (NM_001369079.1); short protein forms K134N, K143N, K159N, K80N.
Identifiers: ClinVar variation 1683200 (VCV001683200.6), dbSNP rs2147389286, ClinGen allele CA412267475.